The following is an entry in ClinVar:

NM_000020.3(ACVRL1):c.706G>A (p.Glu236Lys)

Gene: ACVRL1 (activin A receptor like type 1; plus strand). Cytogenetic location: 12q13.13.
Variant type: single nucleotide variant.
Coding change: c.706G>A on transcript NM_000020.3 (MANE Select); coding-DNA position 706, G replaced by A.
Protein change: p.Glu236Lys; replaces glutamic acid 236 with lysine.
Molecular consequence: missense variant.
Genome position (GRCh38, 1-based): chr12:51,914,519, G>A. VCF-style: chr12-51914519-G-A. GRCh37 (hg19) VCF-style: chr12-52308303-G-A.
Other names: NM_000020.3(ACVRL1):c.706G>A; c.706G>A, p.Glu236Lys (NM_001077401.2); short protein forms E236K.
Identifiers: ClinVar variation 657805 (VCV000657805.27), dbSNP rs1592223490, ClinGen allele CA384900118.
Genomic context (GRCh38, chr12:51,914,519, plus strand): 5'-GTGTGGCGGGGCTTGTGGCACGGTGAGAGTGTGGCCGTCAAGATCTTCTCCTCGAGGGAT[G>A]AACAGTCCTGGTTCCGGGAGACTGAGATCTATAACACAGTGTTGCTCAGACACGACAACA-3'
Protein context (NP_000011.2, residues 226-246): VAVKIFSSRD[Glu236Lys]QSWFRETEIY

ClinVar aggregate classification (germline): Pathogenic. Review status: reviewed by expert panel (3 of 4 stars). 5 submissions from 5 submitters: Pathogenic (1). 4 of the submissions do not count toward it. Last evaluated 2024-03-15.

Conditions:
Telangiectasia, hereditary hemorrhagic, type 2 (HHT2). Also called: ACVRL1-Related Hereditary Hemorrhagic Telangiectasia; Telangiectasia, hereditary hemorrhagic, type II. Identifiers: Orphanet 774, MedGen C1838163, MONDO:0010880, OMIM 600376. Disease mechanism: loss of function.
Cardiovascular phenotype. Identifiers: MedGen CN230736.

Submissions (5):

ClinGen Hereditary Hemorrhagic Telangiectasia Variant Curation Expert Panel, ClinGen
Classification: Pathogenic for Telangiectasia, hereditary hemorrhagic, type 2. Last evaluated: 2024-03-15. Review status: reviewed by expert panel. Criteria: ClinGen HHT ACMG Specifications ACVRL1 V1.1.0. Collection method: curation. Allele origin: germline. Inheritance: Autosomal dominant inheritance.
Comment: The NM_000020.3: c.706G>A variant in ACVRL1 is a missense variant predicted to cause substitution of glutamic acid by lysine at amino acid 236 (p.Glu236Lys). This variant is absent from gnomAD v2.1.1 (PM2_Supporting). This variant has been reported in at least 4 probands with a phenotype consistent of HHT (PS4; PMID: 25970827, ClinVar, Internal lab contributors). The variant has been reported to segregate with HHT in 5 affected members from 1 family, and in 2 affected siblings from a different family (PP1_Strong; PMID: 25970827, personal communication). The computational predictor REVEL gives a score of 0.668, which is above the threshold of greater than or equal to 0.644, evidence that correlates with impact to ACVRL1 function (PP3). In summary, this variant meets the criteria to be classified as pathogenic for Hereditary Hemorrhagic Telangiectasia based on the ACMG/AMP criteria applied, as specified by the ClinGen Hereditary Hemorrhagic Telangiectasia Variant Curation Expert Panel: PM2_Supporting, PS4, PP1_Strong, PP3 (specification version 1.0.0; 1/04/2024).

Labcorp Genetics (formerly Invitae), Labcorp
Classification: Pathogenic for Telangiectasia, hereditary hemorrhagic, type 2. Last evaluated: 2025-02-26. Review status: criteria provided, single submitter. Criteria: Invitae Variant Classification Sherloc (09022015). Collection method: clinical testing. Allele origin: germline. Not counted in ClinVar's aggregate classification.
Comment: This sequence change replaces glutamic acid, which is acidic and polar, with lysine, which is basic and polar, at codon 236 of the ACVRL1 protein (p.Glu236Lys). This variant is not present in population databases (gnomAD no frequency). This missense change has been observed in individual(s) with hereditary hemorrhagic telangiectasia (HHT) (PMID: 25970827; internal data). It has also been observed to segregate with disease in related individuals. ClinVar contains an entry for this variant (Variation ID: 657805). Invitae Evidence Modeling of protein sequence and biophysical properties (such as structural, functional, and spatial information, amino acid conservation, physicochemical variation, residue mobility, and thermodynamic stability) has been performed for this missense variant. However, the output from this modeling did not meet the statistical confidence thresholds required to predict the impact of this variant on ACVRL1 protein function. For these reasons, this variant has been classified as Pathogenic.

Ambry Genetics
Classification: Likely pathogenic for Cardiovascular phenotype. Last evaluated: 2023-05-02. Review status: criteria provided, single submitter. Criteria: Ambry Variant Classification Scheme 2023. Collection method: clinical testing. Allele origin: germline. Not counted in ClinVar's aggregate classification.
Comment: The p.E236K variant (also known as c.706G>A), located in coding exon 5 of the ACVRL1 gene, results from a G to A substitution at nucleotide position 706. The glutamic acid at codon 236 is replaced by lysine, an amino acid with similar properties. This alteration has been observed in multiple unrelated individuals with clinical features of hereditary hemorrhagic telangiectasia and co-segregated with disease in other family members (Heimdal K et al. Clin Genet, 2016 Feb;89:182-6; external communication). This amino acid position is completely conserved on sequence alignment. In addition, this alteration is predicted to be deleterious by in silico analysis. This variant is considered to be rare based on population cohorts in the Genome Aggregation Database (gnomAD). Based on the majority of available evidence to date, this variant is likely to be pathogenic.

Mayo Clinic Laboratories, Mayo Clinic
Classification: Likely pathogenic. Last evaluated: 2021-02-18. Review status: criteria provided, single submitter. Criteria: ACMG Guidelines, 2015. Collection method: clinical testing. Allele origin: germline. Observed: 1 variant allele. Not counted in ClinVar's aggregate classification.
Comment: PS4_moderate, PM2-supporting, PP4, PP3, PS3_supporting, PP1

ARUP Laboratories, Molecular Genetics and Genomics, ARUP Laboratories
Classification: Uncertain significance for Telangiectasia, hereditary hemorrhagic, type 2. Last evaluated: 2019-12-14. Review status: criteria provided, single submitter. Criteria: ARUP Molecular Germline Variant Investigation Process. Collection method: clinical testing. Allele origin: germline. Not counted in ClinVar's aggregate classification.
Comment: The ACVRL1 c.706G>A; p.Glu236Lys variant is reported in the literature in at least one family affected with hereditary hemorrhagic telangiectasia (Heimdal 2016). This variant is reported in ClinVar (Variation ID: 657805), and is absent from general population databases (Exome Variant Server, Genome Aggregation Database), indicating it is not a common polymorphism. The glutamic acid at codon 236 is highly conserved, and computational analyses (SIFT, PolyPhen-2) predict that this variant is deleterious. However, given the lack of clinical and functional data, the significance of the p.Glu236Lys variant is uncertain at this time. References: Heimdal K et al. Mutation analysis in Norwegian families with hereditary hemorrhagic telangiectasia: founder mutations in ACVRL1. Clin Genet. 2016 Feb;89(2):182-6.

Literature cited by the submitters: PubMed 25970827 (cited by 3 submitters).